The following is an entry in ClinVar:

NM_000291.4(PGK1):c.846G>C (p.Leu282Phe)

Gene: PGK1 (phosphoglycerate kinase 1; plus strand). Cytogenetic location: Xq21.1.
Variant type: single nucleotide variant.
Coding change: c.846G>C on transcript NM_000291.4 (MANE Select); coding-DNA position 846, G replaced by C.
Protein change: p.Leu282Phe; replaces leucine 282 with phenylalanine.
Molecular consequence: missense variant.
Genome position (GRCh38, 1-based): chrX:78,123,284, G>C. VCF-style: chrX-78123284-G-C. GRCh37 (hg19) VCF-style: chrX-77378781-G-C.
Other names: p.Leu282Phe; short protein forms L282F.
Identifiers: ClinVar variation 716724 (VCV000716724.24), dbSNP rs782668224, ClinGen allele CA10459777.
Genomic context (GRCh38, chrX:78,123,284, plus strand): 5'-AGCCAAGATTGTCAAAGACCTAATGTCCAAAGCTGAGAAGAATGGTGTGAAGATTACCTT[G>C]CCTGTTGACTTTGTCACTGCTGACAAGTTTGATGAGAATGCCAAGACTGGCCAAGCCACT-3'
Protein context (NP_000282.1, residues 272-292): KAEKNGVKIT[Leu282Phe]PVDFVTADKF

ClinVar aggregate classification (germline): Benign/Likely benign. Review status: criteria provided, multiple submitters, no conflicts (2 of 4 stars). 7 submissions from 7 submitters: Benign (2); Likely benign (4). 1 of the submissions does not count toward it. Last evaluated 2026-06-01.

Conditions:
Glycogen storage disease due to phosphoglycerate kinase 1 deficiency. Also called: PGK1 DEFICIENCY; PHOSPHOGLYCERATE KINASE 1 DEFICIENCY WITH LEVO-DOPA-RESPONSIVE PARKINSONISM. Identifiers: Orphanet 713, MedGen C1970848, MONDO:0010392, OMIM 300653.
PGK1-related disorder. Also called: PGK1-related condition.

Allele frequency attached by ClinVar (database versions not stated): gnomAD 0.00006 and 0.00007; gnomAD exomes 0.00009 and 0.00046; TOPMed 0.00016; ExAC 0.00040.
gnomAD v4.1: 102 of 1,202,783 alleles (0.0085%); highest among the groups gnomAD compares: Admixed American, 0.22%; no homozygotes.

Submissions (7):

CeGaT Center for Human Genetics Tuebingen
Classification: Likely benign. Last evaluated: 2026-06-01. Review status: criteria provided, single submitter. Criteria: CeGaT Center For Human Genetics Tuebingen Variant Classification Criteria Version 2. Collection method: clinical testing. Allele origin: germline. Affected: yes. Observed: 1 variant allele.
Comment: PGK1: BS2

Mayo Clinic Laboratories, Mayo Clinic
Classification: Likely benign. Last evaluated: 2025-10-20. Review status: criteria provided, single submitter. Criteria: ACMG Guidelines, 2015. Collection method: clinical testing. Allele origin: germline. Observed: 1 variant allele.
Comment: BS1, BS2

Labcorp Genetics (formerly Invitae), Labcorp
Classification: Benign. Last evaluated: 2025-07-13. Review status: criteria provided, single submitter. Criteria: Invitae Variant Classification Sherloc (09022015). Collection method: clinical testing. Allele origin: germline.

Revvity Omics, Revvity
Classification: Benign for Glycogen storage disease due to phosphoglycerate kinase 1 deficiency. Last evaluated: 2024-06-06. Review status: criteria provided, single submitter. Criteria: ACMG Guidelines, 2015. Collection method: clinical testing. Allele origin: germline.

ARUP Laboratories, Molecular Genetics and Genomics, ARUP Laboratories
Classification: Likely benign for Glycogen storage disease due to phosphoglycerate kinase 1 deficiency. Last evaluated: 2021-09-20. Review status: criteria provided, single submitter. Criteria: ARUP Molecular Germline Variant Investigation Process 2021. Collection method: clinical testing. Allele origin: germline.

GeneDx
Classification: Likely benign. Last evaluated: 2020-11-27. Review status: criteria provided, single submitter. Criteria: GeneDx Variant Classification Process June 2021. Collection method: clinical testing. Allele origin: germline. Affected: yes.

PreventionGenetics, part of Exact Sciences
Classification: Likely benign for PGK1-related condition. Last evaluated: 2020-03-24. Review status: no assertion criteria provided. Collection method: clinical testing. Allele origin: germline. Not counted in ClinVar's aggregate classification.
Comment: This variant is classified as likely benign based on ACMG/AMP sequence variant interpretation guidelines (Richards et al. 2015 PMID: 25741868, with internal and published modifications).